The following is an entry in ClinVar:

NM_001127464.1:c.10154T>C

Gene: ZNF469 (zinc finger protein 469; plus strand).
Variant type: single nucleotide variant.
Identifiers: ClinVar variation 4209227 (VCV004209227.1).

ClinVar aggregate classification (germline): Uncertain significance (1 of 4 stars; one submission).

Conditions:
Cardiovascular phenotype. Identifiers: MedGen CN230736.

Submission:

Ambry Genetics
Classification: Uncertain significance for Cardiovascular phenotype. Last evaluated: 2025-08-28. Review status: criteria provided, single submitter. Criteria: Ambry Variant Classification Scheme 2023. Collection method: clinical testing. Allele origin: germline.
Comment: The p.I3385T variant (also known as c.10154T>C), located in coding exon 2 of the ZNF469 gene, results from a T to C substitution at nucleotide position 10154. The isoleucine at codon 3385 is replaced by threonine, an amino acid with similar properties. This amino acid position is conserved. In addition, this alteration is predicted to be tolerated by in silico analysis. Based on the available evidence, the clinical significance of this variant remains unclear.